The following is an entry in ClinVar:

NM_031885.5(BBS2):c.1902G>C (p.Met634Ile)

Gene: BBS2 (Bardet-Biedl syndrome 2; minus strand). Cytogenetic location: 16q13.
Variant type: single nucleotide variant.
Coding change: c.1902G>C on transcript NM_031885.5 (MANE Select); coding-DNA position 1902, G replaced by C.
Protein change: p.Met634Ile; replaces methionine 634 with isoleucine.
Molecular consequence: missense variant. On other transcripts: non-coding transcript variant (5).
Genome position (GRCh38, 1-based): chr16:56,496,975, C>G on the plus strand (G>C on the coding strand, the complement: BBS2 is on the minus strand). VCF-style: chr16-56496975-C-G. GRCh37 (hg19) VCF-style: chr16-56530887-C-G.
Other names: c.1902G>C, p.Met634Ile (NM_001377456.1); short protein forms M634I.
Identifiers: ClinVar variation 2158974 (VCV002158974.1), dbSNP rs886052145, ClinGen allele CA395975467.
Genomic context (GRCh38, chr16:56,496,975, plus strand): 5'-TACTGCTCACATTTTTAACCCTGCACCTGTACTAACCATGACAAATACTCACATGTCCCT[C>G]ATCAGACGAGCATCCTCAGCTCCGACCAGCAAACTTCGGATCAAATTAGAATGATCAGCC-3'
Protein context (NP_114091.4, residues 624-644): LLVGAEDARL[Met634Ile]RDMKTMKSRY

ClinVar aggregate classification (germline): Uncertain significance (1 of 4 stars; one submission).

Conditions:
Bardet-Biedl syndrome (BBS). Identifiers: Orphanet 110, MedGen C0752166, MONDO:0015229.

Allele frequency attached by ClinVar (database versions not stated): gnomAD 0.00001; gnomAD exomes 0.00004.
gnomAD v4.1: 54 of 1,612,816 alleles (0.0033%); highest among the groups gnomAD compares: Non-Finnish European, 0.0042%; no homozygotes.

Submission:

Labcorp Genetics (formerly Invitae), Labcorp
Classification: Uncertain significance for Bardet-Biedl syndrome. Last evaluated: 2022-03-28. Review status: criteria provided, single submitter. Criteria: Invitae Variant Classification Sherloc (09022015). Collection method: clinical testing. Allele origin: germline.
Comment: This sequence change replaces methionine, which is neutral and non-polar, with isoleucine, which is neutral and non-polar, at codon 634 of the BBS2 protein (p.Met634Ile). This variant is present in population databases (no rsID available, gnomAD 0.002%). This variant has not been reported in the literature in individuals affected with BBS2-related conditions. Algorithms developed to predict the effect of missense changes on protein structure and function (SIFT, PolyPhen-2, Align-GVGD) all suggest that this variant is likely to be tolerated. In summary, the available evidence is currently insufficient to determine the role of this variant in disease. Therefore, it has been classified as a Variant of Uncertain Significance.